The following is an entry in ClinVar:

ClinVar aggregate classification (germline): Uncertain significance (1 of 4 stars; one submission).

Conditions:
Charcot-Marie-Tooth disease type 4. Also called: Charcot-Marie-Tooth disease, type IV; Charcot-Marie-Tooth, Type 4. Identifiers: Orphanet 64749, MedGen C4082197, MONDO:0018995.

Allele frequency attached by ClinVar (database versions not stated): gnomAD exomes below 0.00001 and 0.00001; TOPMed below 0.00001; ExAC 0.00001.
gnomAD v4.1: 3 of 1,614,060 alleles (0.00019%); highest among the groups gnomAD compares: Admixed American, 0.005%; no homozygotes.

Submission:

Labcorp Genetics (formerly Invitae), Labcorp
Classification: Uncertain significance for Charcot-Marie-Tooth disease type 4. Last evaluated: 2021-11-24. Review status: criteria provided, single submitter. Criteria: Invitae Variant Classification Sherloc (09022015). Collection method: clinical testing. Allele origin: germline.
Comment: This variant has not been reported in the literature in individuals affected with SH3TC2-related conditions. In summary, the available evidence is currently insufficient to determine the role of this variant in disease. Therefore, it has been classified as a Variant of Uncertain Significance. Algorithms developed to predict the effect of missense changes on protein structure and function (SIFT, PolyPhen-2, Align-GVGD) all suggest that this variant is likely to be disruptive. This variant is present in population databases (rs751095271, gnomAD 0.003%). This sequence change replaces tryptophan, which is neutral and slightly polar, with leucine, which is neutral and non-polar, at codon 245 of the SH3TC2 protein (p.Trp245Leu).

NM_024577.4(SH3TC2):c.734G>T (p.Trp245Leu)

Gene: SH3TC2 (SH3 domain and tetratricopeptide repeats 2; minus strand). Cytogenetic location: 5q32.
Variant type: single nucleotide variant.
Coding change: c.734G>T on transcript NM_024577.4 (MANE Select); coding-DNA position 734, G replaced by T.
Protein change: p.Trp245Leu; replaces tryptophan 245 with leucine.
Molecular consequence: missense variant.
Genome position (GRCh38, 1-based): chr5:149,040,675, C>A on the plus strand (G>T on the coding strand, the complement: SH3TC2 is on the minus strand). VCF-style: chr5-149040675-C-A. GRCh37 (hg19) VCF-style: chr5-148420238-C-A.
Other names: short protein forms W245L.
Identifiers: ClinVar variation 1444063 (VCV001444063.6), dbSNP rs751095271, ClinGen allele CA3499409.
Genomic context (GRCh38, chr5:149,040,675, plus strand): 5'-GAGCCTGTCCAATCCCTCTTCCTGGAAAGGCCACAGCTTCCTGGATAATTCTTTAGGAAC[C>A]ACCTGCCAATGAAAACATGGGGTTTGCAAACACAGATTTCAAAAAATTGCAACAATGAAC-3'
Protein context (NP_078853.2, residues 235-255): LEPLPLPFHQ[Trp245Leu]FLKNYPGSCG